The following is an entry in ClinVar:

ClinVar aggregate classification (germline): Conflicting classifications of pathogenicity. Review status: criteria provided, conflicting classifications (1 of 4 stars). 5 submissions from 5 submitters: Uncertain significance (3); Likely benign (2). Last evaluated 2026-06-25.

Conditions:
POLG-related disorder. Also called: POLG-related condition; POLG-Related Disorders; POLG-Related Spectrum Disorders. Identifiers: MedGen C4763519.
Inborn genetic diseases. Identifiers: MedGen C0950123, MeSH D030342.
Progressive sclerosing poliodystrophy (MTDPS4A). Also called: NEURONAL DEGENERATION OF CHILDHOOD WITH LIVER DISEASE, PROGRESSIVE; ALPERS PROGRESSIVE INFANTILE POLIODYSTROPHY; Mitochondrial DNA Depletion Syndrome 4A; Alpers Syndrome; ALPERS DIFFUSE DEGENERATION OF CEREBRAL GRAY MATTER WITH HEPATIC CIRRHOSIS; Alpers-Huttenlocher Syndrome. Identifiers: Orphanet 726, MedGen C0205710, MONDO:0008758, OMIM 203700.

Submissions (5):

PreventionGenetics, part of Exact Sciences
Classification: Uncertain significance for POLG-related condition. Last evaluated: 2026-06-25. Review status: criteria provided, single submitter. Criteria: ACMG Guidelines, 2015. Collection method: clinical testing. Allele origin: germline.
Comment: The POLG c.138_158del21 variant is predicted to result in an in-frame deletion (p.Gln49_Gln55del). To our knowledge, this variant has not been reported in the literature or in a large population database (gnomAD), indicating this variant is rare. At this time, the clinical significance of this variant is uncertain due to the absence of conclusive functional and genetic evidence.

Labcorp Genetics (formerly Invitae), Labcorp
Classification: Uncertain significance for Progressive sclerosing poliodystrophy. Last evaluated: 2026-01-12. Review status: criteria provided, single submitter. Criteria: Invitae Variant Classification Sherloc (09022015). Collection method: clinical testing. Allele origin: germline.
Comment: This variant, c.138_158del, results in the deletion of 7 amino acid(s) of the POLG protein (p.Gln49_Gln55del), but otherwise preserves the integrity of the reading frame. This variant is not present in population databases (gnomAD no frequency). This variant has not been reported in the literature in individuals affected with POLG-related conditions. ClinVar contains an entry for this variant (Variation ID: 289240). Experimental studies and prediction algorithms are not available or were not evaluated, and the functional significance of this variant is currently unknown. In summary, the available evidence is currently insufficient to determine the role of this variant in disease. Therefore, it has been classified as a Variant of Uncertain Significance.

Ambry Genetics
Classification: Likely benign for Inborn genetic diseases. Last evaluated: 2025-03-07. Review status: criteria provided, single submitter. Criteria: Ambry Variant Classification Scheme 2023. Collection method: clinical testing. Allele origin: germline.

Mayo Clinic Laboratories, Mayo Clinic
Classification: Uncertain significance. Last evaluated: 2022-07-21. Review status: criteria provided, single submitter. Criteria: ACMG Guidelines, 2015. Collection method: clinical testing. Allele origin: germline. Observed: 1 variant allele.
Comment: PM2

Eurofins Ntd Llc (ga)
Classification: Likely benign. Last evaluated: 2016-07-01. Review status: criteria provided, single submitter. Criteria: EGL Classification Definitions 2015. Collection method: clinical testing. Allele origin: germline. Observed: 1 variant allele, 1 heterozygote.

NM_002693.3(POLG):c.126GCA[4] (p.Gln49_Gln55del)

Genes: POLG (DNA polymerase gamma, catalytic subunit; minus strand), POLGARF (POLG alternative reading frame; minus strand). Cytogenetic location: 15q26.1.
Variant type: Microsatellite.
Coding change: c.126GCA[4] on transcript NM_002693.3 (MANE Select); four copies in a row of the 3-base unit GCA starting at c.126; the reference has 11 copies in a row; seven copies, 21 bases deleted; also written c.138_158del.
Protein change: p.Gln49_Gln55del.
Molecular consequence: inframe deletion.
Genome position (GRCh38, 1-based): chr15:89,333,597-89,333,617, TGCTGCTGCTGCTGCTGCTGC deleted on the plus strand (GCAGCAGCAGCAGCAGCAGCA on the coding strand, the reverse complement: POLG is on the minus strand); deleting any 21 consecutive bases within chr15:89,333,597-89,333,629 gives the same sequence; the position shown is the placement nearest the transcript's 3' end. VCF-style (leftmost placement, unchanged base first): chr15-89333596-TTGCTGCTGCTGCTGCTGCTGC-T. GRCh37 (hg19) VCF-style: chr15-89876827-TTGCTGCTGCTGCTGCTGCTGC-T.
Other names: p.Gln49_Gln55del; c.138_158del (NM_002693.2); c.126GCA[4], p.Gln49_Gln55del (NM_001126131.2); c.138_158del21 (NM_002693.2).
Identifiers: ClinVar variation 289240 (VCV000289240.15), dbSNP rs41550117, ClinGen allele CA10606382.
Genomic context (GRCh38, chr15:89,333,596, plus strand): 5'-TGGGTTGTGCCGCAGCTGCCCGCCCTCCGAGGATAGCACTTGCGGCTGCTGAGGCTGCTG[TTGCTGCTGCTGCTGCTGCTGC>T]TGCTGCTGCTGCCGCCGCCGCTGCCCGTCGCTGGGGTCGGACGCGGGGACGGAGCTGGAG-3'